The following is an entry in ClinVar:

ClinVar aggregate classification (germline): Uncertain significance (1 of 4 stars; one submission).

Allele frequency attached by ClinVar (database versions not stated): gnomAD exomes below 0.00001; TOPMed 0.00001.
gnomAD v4.1: 5 of 1,614,170 alleles (0.00031%); highest among the groups gnomAD compares: South Asian, 0.0011%; no homozygotes.

Submission:

Labcorp Genetics (formerly Invitae), Labcorp
Classification: Uncertain significance. Last evaluated: 2022-07-25. Review status: criteria provided, single submitter. Criteria: Invitae Variant Classification Sherloc (09022015). Collection method: clinical testing. Allele origin: germline.
Comment: In summary, the available evidence is currently insufficient to determine the role of this variant in disease. Therefore, it has been classified as a Variant of Uncertain Significance. Advanced modeling of protein sequence and biophysical properties (such as structural, functional, and spatial information, amino acid conservation, physicochemical variation, residue mobility, and thermodynamic stability) performed at Invitae indicates that this missense variant is not expected to disrupt SPTBN2 protein function. This variant has not been reported in the literature in individuals affected with SPTBN2-related conditions. This variant is not present in population databases (gnomAD no frequency). This sequence change replaces arginine, which is basic and polar, with cysteine, which is neutral and slightly polar, at codon 41 of the SPTBN2 protein (p.Arg41Cys).

NM_006946.4(SPTBN2):c.121C>T (p.Arg41Cys)

Gene: SPTBN2 (spectrin beta, non-erythrocytic 2; minus strand). Cytogenetic location: 11q13.2.
Variant type: single nucleotide variant.
Coding change: c.121C>T on transcript NM_006946.4 (MANE Select); coding-DNA position 121, C replaced by T.
Protein change: p.Arg41Cys; replaces arginine 41 with cysteine.
Molecular consequence: missense variant.
Genome position (GRCh38, 1-based): chr11:66,721,120, G>A on the plus strand (C>T on the coding strand, the complement: SPTBN2 is on the minus strand). VCF-style: chr11-66721120-G-A. GRCh37 (hg19) VCF-style: chr11-66488591-G-A.
Other names: short protein forms R41C.
Identifiers: ClinVar variation 2048087 (VCV002048087.4), dbSNP rs1942382097, ClinGen allele CA381485068.
Genomic context (GRCh38, chr11:66,721,120, plus strand): 5'-ACCTCGACCCTCCTCTGACCTCACCTGCCAGAGCCTTAATGCGAGACCTCTCAAAGAGGC[G>A]GGCCGAGCTGCTGTCATTGTCCCAGTCCGAGTCAGGAAGGTCCCAGCGGTTGTTGATGTC-3'
Protein context (NP_008877.2, residues 31-51): SDWDNDSSSA[Arg41Cys]LFERSRIKAL